The following is an entry in ClinVar:

ClinVar aggregate classification (germline): Uncertain significance (1 of 4 stars; one submission).

gnomAD v4.1: 15 of 1,531,140 alleles (0.00098%); highest among the groups gnomAD compares: Non-Finnish European, 0.0013%; no homozygotes.

Submission:

Labcorp Genetics (formerly Invitae), Labcorp
Classification: Uncertain significance. Last evaluated: 2025-12-06. Review status: criteria provided, single submitter. Criteria: Invitae Variant Classification Sherloc (09022015). Collection method: clinical testing. Allele origin: germline.
Comment: This sequence change replaces arginine, which is basic and polar, with lysine, which is basic and polar, at codon 76 of the KCNQ5 protein (p.Arg76Lys). This variant is not present in population databases (gnomAD no frequency). This variant has not been reported in the literature in individuals affected with KCNQ5-related conditions. Invitae Evidence Modeling of protein sequence and biophysical properties (such as structural, functional, and spatial information, amino acid conservation, physicochemical variation, residue mobility, and thermodynamic stability) indicates that this missense variant is not expected to disrupt KCNQ5 protein function with a negative predictive value of 95%. In summary, the available evidence is currently insufficient to determine the role of this variant in disease. Therefore, it has been classified as a Variant of Uncertain Significance.

NM_019842.4(KCNQ5):c.227G>A (p.Arg76Lys)

Genes: KCNQ5 (potassium voltage-gated channel subfamily Q member 5; plus strand), KCNQ5-DT (KCNQ5 divergent transcript; minus strand). Cytogenetic location: 6q13.
Variant type: single nucleotide variant.
Coding change: c.227G>A on transcript NM_019842.4 (MANE Select); coding-DNA position 227, G replaced by A.
Protein change: p.Arg76Lys; replaces arginine 76 with lysine.
Molecular consequence: missense variant.
Genome position (GRCh38, 1-based): chr6:72,622,416, G>A. VCF-style: chr6-72622416-G-A. GRCh37 (hg19) VCF-style: chr6-73332144-G-A.
Other names: c.227G>A, p.Arg76Lys (NM_001160130.2, NM_001160132.2, NM_001160133.2 and 1 more transcripts); short protein forms R76K.
Identifiers: ClinVar variation 4751004 (VCV004751004.1).